The following is an entry in ClinVar:

NM_000540.3(RYR1):c.7650G>C (p.Leu2550=)

Gene: RYR1 (ryanodine receptor 1; plus strand). Cytogenetic location: 19q13.2.
Variant type: single nucleotide variant.
Coding change: c.7650G>C on transcript NM_000540.3 (MANE Select); coding-DNA position 7650, G replaced by C.
Protein change: p.Leu2550=; no amino-acid change (leucine 2550 retained).
Molecular consequence: synonymous variant.
Genome position (GRCh38, 1-based): chr19:38,502,542, G>C. VCF-style: chr19-38502542-G-C. GRCh37 (hg19) VCF-style: chr19-38993182-G-C.
Other names: c.7650G>C, p.Leu2550= (NM_001042723.2).
Identifiers: ClinVar variation 1148624 (VCV001148624.11), dbSNP rs367825019, ClinGen allele CA507243712.

ClinVar aggregate classification (germline): Likely benign. Review status: criteria provided, multiple submitters, no conflicts (2 of 4 stars). 2 submissions from 2 submitters: Likely benign (2). Last evaluated 2024-07-22.

Conditions:
RYR1-related disorder. Also called: RYR1-related condition; RYR1-related disorders. Identifiers: MedGen CN239331.
Malignant hyperthermia, susceptibility to, 1 (MHS1). Also called: Anesthesia related hyperthermia; Malignant hyperpyrexia; Fulminating hyperpyrexia; Pharmacogenic myopathy; Malignant hyperthermia suceptibility 1; RYR1-Related Malignant Hyperthermia Susceptibility. Identifiers: Orphanet 423, MedGen C2930980, MONDO:0007783, OMIM 145600.

gnomAD v4.1: 3 of 1,610,464 alleles (0.00019%); highest among the groups gnomAD compares: Admixed American, 0.0017%; no homozygotes.

Submissions (2):

Labcorp Genetics (formerly Invitae), Labcorp
Classification: Likely benign for RYR1-related disorder. Last evaluated: 2024-07-22. Review status: criteria provided, single submitter. Criteria: Invitae Variant Classification Sherloc (09022015). Collection method: clinical testing. Allele origin: germline.

All of Us Research Program, National Institutes of Health
Classification: Likely benign for Malignant hyperthermia, susceptibility to, 1. Last evaluated: 2024-05-14. Review status: criteria provided, single submitter. Criteria: ACMG Guidelines, 2015. Collection method: clinical testing. Allele origin: germline. Inheritance: Autosomal dominant inheritance. Observed: 2 variant alleles, 2 heterozygotes.
Comment: This study involves interpretation of variants in research participants for the purpose of population health screening. Participant phenotype was not available at the time of variant classification. Additional details can be found in publication PMID: 35346344, PMCID: PMC8962531